The following is an entry in ClinVar:

NM_000548.5(TSC2):c.2015C>T (p.Pro672Leu)

Gene: TSC2 (TSC complex subunit 2; plus strand). Cytogenetic location: 16p13.3.
Variant type: single nucleotide variant.
Coding change: c.2015C>T on transcript NM_000548.5 (MANE Select); coding-DNA position 2015, C replaced by T.
Protein change: p.Pro672Leu; replaces proline 672 with leucine.
Molecular consequence: missense variant.
Genome position (GRCh38, 1-based): chr16:2,071,852, C>T. VCF-style: chr16-2071852-C-T. GRCh37 (hg19) VCF-style: chr16-2121853-C-T.
Other names: c.2015C>T, p.Pro672Leu (NM_001077183.3, NM_001114382.3, NM_001363528.2 and 3 more transcripts); c.1904C>T, p.Pro635Leu (NM_001318827.2); c.1868C>T, p.Pro623Leu (NM_001318829.2); c.1415C>T, p.Pro472Leu (NM_001318831.2); c.2048C>T, p.Pro683Leu (NM_001318832.2); short protein forms P672L, P623L, P635L, P472L, P683L.
Identifiers: ClinVar variation 406039 (VCV000406039.22), dbSNP rs768864353, ClinGen allele CA16615063.

ClinVar aggregate classification (germline): Conflicting classifications of pathogenicity. Review status: criteria provided, conflicting classifications (1 of 4 stars). 7 submissions from 7 submitters: Uncertain significance (3); Benign (1); Likely benign (3). Last evaluated 2026-02-03.

Conditions:
Lymphangiomyomatosis (LAM). Also called: Lymphangioleiomyomatosis; Lymphangioleiomyomatosis, somatic. Identifiers: Orphanet 538, MedGen C0751674, MONDO:0011705, OMIM 606690.
Tuberous sclerosis 2 (TSC2). Identifiers: Orphanet 805, MedGen C1860707, MONDO:0013199, OMIM 613254.
Isolated focal cortical dysplasia type II (FCORD2). Also called: CORTICAL DYSPLASIA OF TAYLOR; Focal cortical dysplasia type II. Identifiers: Orphanet 268994, MedGen C1846385, MONDO:0011818, OMIM 607341, HP:0032051.
Hereditary cancer-predisposing syndrome. Also called: Hereditary neoplastic syndrome; Tumor predisposition; Hereditary Cancer Syndrome; Neoplastic Syndromes, Hereditary. Identifiers: Orphanet 140162, MedGen C0027672, MeSH D009386, MONDO:0015356.
Tuberous sclerosis syndrome (TSC). Also called: Tuberous Sclerosis Complex; Tuberous sclerosis. Identifiers: Orphanet 805, MedGen C0041341, MONDO:0001734.

Allele frequency attached by ClinVar (database versions not stated): TOPMed 0.00001; gnomAD exomes 0.00002 and 0.00001; gnomAD 0.00003.
gnomAD v4.1: 17 of 1,568,844 alleles (0.0011%); highest among the groups gnomAD compares: African/African-American, 0.0014%; no homozygotes.

Submissions (7):

Labcorp Genetics (formerly Invitae), Labcorp
Classification: Benign for Tuberous sclerosis 2. Last evaluated: 2026-02-03. Review status: criteria provided, single submitter. Criteria: Invitae Variant Classification Sherloc (09022015). Collection method: clinical testing. Allele origin: germline.

Quest Diagnostics Nichols Institute San Juan Capistrano
Classification: Uncertain significance. Last evaluated: 2025-06-11. Review status: criteria provided, single submitter. Criteria: Quest Diagnostics criteria. Collection method: clinical testing. Allele origin: unknown.

Dasa
Classification: Uncertain significance for Tuberous sclerosis 2. Last evaluated: 2025-06-02. Review status: criteria provided, single submitter. Criteria: DASA Assertion Criteria. Collection method: clinical testing. Allele origin: germline.
Comment: NM_000548.5(TSC2):c.2015C>T (p.Pro672Leu) is a missense variant that results in the substitution of proline with leucine. This variant is rare in population databases. Computational prediction algorithms are consistent with a benign effect. The currently available literature and clinical evidence are not sufficient to establish a definitive association between this variant and the reported condition. Therefore, this variant is classified as a variant of uncertain significance.

Color Diagnostics, LLC DBA Color Health
Classification: Likely benign for Tuberous sclerosis syndrome. Last evaluated: 2022-09-23. Review status: criteria provided, single submitter. Criteria: ACMG Guidelines, 2015. Collection method: clinical testing. Allele origin: germline.

Genome-Nilou Lab
Classification: Likely benign for Tuberous sclerosis 2. Last evaluated: 2021-11-07. Review status: criteria provided, single submitter. Criteria: ACMG Guidelines, 2015. Collection method: clinical testing. Allele origin: germline. Affected: no.

Fulgent Genetics
Classification: Uncertain significance for Lymphangiomyomatosis; Isolated focal cortical dysplasia type II; Tuberous sclerosis 2. Last evaluated: 2018-10-31. Review status: criteria provided, single submitter. Criteria: ACMG Guidelines, 2015. Collection method: clinical testing. Allele origin: unknown.

Ambry Genetics
Classification: Likely benign for Hereditary cancer-predisposing syndrome. Last evaluated: 2018-03-21. Review status: criteria provided, single submitter. Criteria: Ambry Variant Classification Scheme 2023. Collection method: clinical testing. Allele origin: germline.